The following is an entry in ClinVar:

ClinVar aggregate classification (germline): Uncertain significance (0 of 4 stars; one submission).

Conditions:
SOS1-related disorder. Also called: SOS1-related condition.

gnomAD v4.1: 1 of 1,613,060 alleles (0.000062%); highest among the groups gnomAD compares: Non-Finnish European, 0.000085%; no homozygotes.

Submission:

PreventionGenetics, part of Exact Sciences
Classification: Uncertain significance for SOS1-related condition. Last evaluated: 2024-07-28. Review status: no assertion criteria provided. Collection method: clinical testing. Allele origin: germline.
Comment: The SOS1 c.162A>C variant is predicted to result in the amino acid substitution p.Gln54His. To our knowledge, this variant has not been reported in the literature or in a large population database, indicating this variant is rare. At this time, the clinical significance of this variant is uncertain due to the absence of conclusive functional and genetic evidence.

NM_005633.4(SOS1):c.162A>C (p.Gln54His)

Gene: SOS1 (SOS Ras/Rac guanine nucleotide exchange factor 1; minus strand). Cytogenetic location: 2p22.1.
Variant type: single nucleotide variant.
Coding change: c.162A>C on transcript NM_005633.4 (MANE Select); coding-DNA position 162, A replaced by C.
Protein change: p.Gln54His; replaces glutamine 54 with histidine.
Molecular consequence: missense variant.
Genome position (GRCh38, 1-based): chr2:39,067,679, T>G on the plus strand (A>C on the coding strand, the complement: SOS1 is on the minus strand). VCF-style: chr2-39067679-T-G. GRCh37 (hg19) VCF-style: chr2-39294820-T-G.
Other names: c.141A>C, p.Gln47His (NM_001382394.1); c.162A>C, p.Gln54His (NM_001382395.1); short protein forms Q47H, Q54H.
Identifiers: ClinVar variation 3347613 (VCV003347613.1).